The following is an entry in ClinVar:

NM_000540.3(RYR1):c.14385G>A (p.Trp4795Ter)

Gene: RYR1 (ryanodine receptor 1; plus strand). Cytogenetic location: 19q13.2.
Variant type: single nucleotide variant.
Coding change: c.14385G>A on transcript NM_000540.3 (MANE Select); coding-DNA position 14385, G replaced by A.
Protein change: p.Trp4795Ter; replaces tryptophan 4795 with a stop codon.
Molecular consequence: nonsense.
Genome position (GRCh38, 1-based): chr19:38,580,002, G>A. VCF-style: chr19-38580002-G-A. GRCh37 (hg19) VCF-style: chr19-39070642-G-A.
Other names: c.14370G>A, p.Trp4790Ter (NM_001042723.2); short protein forms W4790*, W4795*.
Identifiers: ClinVar variation 817531 (VCV000817531.7), dbSNP rs565173276, ClinGen allele CA061206.

ClinVar aggregate classification (germline): Conflicting classifications of pathogenicity. Review status: criteria provided, conflicting classifications (1 of 4 stars). 4 submissions from 4 submitters: Pathogenic (2); Likely pathogenic (1); Uncertain significance (1). Last evaluated 2025-12-24.

Conditions:
RYR1-related disorder. Also called: RYR1-related disorders; RYR1-related condition. Identifiers: MedGen CN239331.
Malignant hyperthermia, susceptibility to, 1 (MHS1). Also called: Malignant hyperthermia suceptibility 1; Anesthesia related hyperthermia; Malignant hyperpyrexia; Fulminating hyperpyrexia; Pharmacogenic myopathy; RYR1-Related Malignant Hyperthermia Susceptibility. Identifiers: Orphanet 423, MedGen C2930980, MONDO:0007783, OMIM 145600.
Central core myopathy (CMYO1A). Also called: Central core disease; Myopathy, central fibrillar; CONGENITAL MYOPATHY 1A, AUTOSOMAL DOMINANT, WITH SUSCEPTIBILITY TO MALIGNANT HYPERTHERMIA. Identifiers: Orphanet 597, MedGen C5830701, MONDO:0007294, OMIM 117000.

Submissions (4):

Genetics and Genomic Medicine Centre, NeuroGen Healthcare, NeuroGen Healthcare
Classification: Pathogenic for Central core myopathy. Last evaluated: 2025-12-24. Review status: criteria provided, single submitter. Criteria: ACMG Guidelines, 2015. Collection method: clinical testing. Allele origin: unknown. Affected: yes.

Labcorp Genetics (formerly Invitae), Labcorp
Classification: Pathogenic for RYR1-related disorder. Last evaluated: 2025-11-11. Review status: criteria provided, single submitter. Criteria: Invitae Variant Classification Sherloc (09022015). Collection method: clinical testing. Allele origin: germline.
Comment: This sequence change creates a premature translational stop signal (p.Trp4795*) in the RYR1 gene. It is expected to result in an absent or disrupted protein product. Loss-of-function variants in RYR1 are known to be pathogenic (PMID: 23919265, 25960145, 28818389, 30611313). This variant is present in population databases (rs565173276, gnomAD 0.002%). This variant has not been reported in the literature in individuals affected with RYR1-related conditions. ClinVar contains an entry for this variant (Variation ID: 817531). For these reasons, this variant has been classified as Pathogenic.

All of Us Research Program, National Institutes of Health
Classification: Uncertain significance for Malignant hyperthermia, susceptibility to, 1. Last evaluated: 2023-05-30. Review status: criteria provided, single submitter. Criteria: ACMG Guidelines, 2015. Collection method: clinical testing. Allele origin: germline. Inheritance: Autosomal dominant inheritance. Observed: 1 variant allele, 1 heterozygote.
Comment: This variant changes 1 nucleotide in exon 100 of the RYR1 gene, creating a premature translation stop signal. This variant is expected to result in an absent or non-functional protein product. To our knowledge, this variant has not been reported in individuals affected with RYR1-related disorders in the literature. This variant has not been identified in the general population by the Genome Aggregation Database (gnomAD). Loss of RYR1 function due to haploinsufficiency is not an established disease mechanism for autosomal dominant malignant hyperthermia, although it is associated with other phenotype(s) (ClinVar Variation ID: 817531). Due to insufficient evidence, this variant is classified as a Variant of Uncertain Significance for autosomal dominant malignant hyperthermia.

This study involves interpretation of variants in research participants for the purpose of population health screening. Participant phenotype was not available at the time of variant classification. Additional details can be found in publication PMID: 35346344, PMCID: PMC8962531

GeneDx
Classification: Likely pathogenic. Last evaluated: 2019-02-20. Review status: criteria provided, single submitter. Criteria: GeneDx Variant Classification (06012015). Collection method: clinical testing. Allele origin: germline. Affected: yes.
Comment: The W4795X variant in the RYR1 gene has not been reported previously as a pathogenic variant nor as a benign variant, to our knowledge. This variant is predicted to cause loss of normal protein function either through protein truncation or nonsense-mediated mRNA decay. The W4795X variant is not observed at a significant frequency in large population cohorts (Lek et al., 2016). We interpret W4795X as a likely pathogenic variant.

Literature cited by the submitters: PubMed 23919265 (cited by Labcorp Genetics (formerly Invitae), Labcorp); PubMed 25960145 (cited by Labcorp Genetics (formerly Invitae), Labcorp); PubMed 28818389 (cited by Labcorp Genetics (formerly Invitae), Labcorp); PubMed 30611313 (cited by Labcorp Genetics (formerly Invitae), Labcorp).